The following is an entry in ClinVar:

NM_015072.5(TTLL5):c.287A>G (p.Tyr96Cys)

Gene: TTLL5 (tubulin tyrosine ligase like 5; plus strand). Cytogenetic location: 14q24.3.
Variant type: single nucleotide variant.
Coding change: c.287A>G on transcript NM_015072.5 (MANE Select); coding-DNA position 287, A replaced by G.
Protein change: p.Tyr96Cys; replaces tyrosine 96 with cysteine.
Molecular consequence: missense variant.
Genome position (GRCh38, 1-based): chr14:75,683,572, A>G. VCF-style: chr14-75683572-A-G. GRCh37 (hg19) VCF-style: chr14-76149915-A-G.
Other names: short protein forms Y96C.
Identifiers: ClinVar variation 2145936 (VCV002145936.5), dbSNP rs993836481, ClinGen allele CA263671763.
Genomic context (GRCh38, chr14:75,683,572, plus strand): 5'-ATGTTTTTTTGCCTTCTTGTCTTTCTGTCTGCCCTCAGGTTCACCCAAGCAGCACTGACT[A>G]TAACCTAATGTGGACAGGATCCCACCTGAAGCCCTTCTTACTGCGCACCCTCTCTGAAGC-3'
Protein context (NP_055887.3, residues 86-106): FHEVHPSSTD[Tyr96Cys]NLMWTGSHLK

ClinVar aggregate classification (germline): Uncertain significance. Review status: criteria provided, multiple submitters, no conflicts (2 of 4 stars). 2 submissions from 2 submitters: Uncertain significance (2). Last evaluated 2024-08-17.

Allele frequency attached by ClinVar (database versions not stated): gnomAD exomes 0.00001; TOPMed 0.00002.
gnomAD v4.1: 20 of 1,613,936 alleles (0.0012%); highest among the groups gnomAD compares: South Asian, 0.014%; no homozygotes.

Submissions (2):

Labcorp Genetics (formerly Invitae), Labcorp
Classification: Uncertain significance. Last evaluated: 2024-08-17. Review status: criteria provided, single submitter. Criteria: Invitae Variant Classification Sherloc (09022015). Collection method: clinical testing. Allele origin: germline.
Comment: This sequence change replaces tyrosine, which is neutral and polar, with cysteine, which is neutral and slightly polar, at codon 96 of the TTLL5 protein (p.Tyr96Cys). This variant is present in population databases (no rsID available, gnomAD 0.003%). This variant has not been reported in the literature in individuals affected with TTLL5-related conditions. ClinVar contains an entry for this variant (Variation ID: 2145936). Invitae Evidence Modeling of protein sequence and biophysical properties (such as structural, functional, and spatial information, amino acid conservation, physicochemical variation, residue mobility, and thermodynamic stability) indicates that this missense variant is not expected to disrupt TTLL5 protein function with a negative predictive value of 80%. In summary, the available evidence is currently insufficient to determine the role of this variant in disease. Therefore, it has been classified as a Variant of Uncertain Significance.

Blueprint Genetics
Classification: Uncertain significance. Last evaluated: 2023-03-06. Review status: criteria provided, single submitter. Criteria: ACMG Guidelines, 2015. Collection method: clinical testing. Allele origin: germline.